The following is an entry in ClinVar:

NM_212482.4(FN1):c.3551C>T (p.Ala1184Val)

Gene: FN1 (fibronectin 1; minus strand). Cytogenetic location: 2q35.
Variant type: single nucleotide variant.
Coding change: c.3551C>T on transcript NM_212482.4 (MANE Select); coding-DNA position 3551, C replaced by T.
Protein change: p.Ala1184Val; replaces alanine 1184 with valine.
Molecular consequence: missense variant.
Genome position (GRCh38, 1-based): chr2:215,397,190, G>A on the plus strand (C>T on the coding strand, the complement: FN1 is on the minus strand). VCF-style: chr2-215397190-G-A. GRCh37 (hg19) VCF-style: chr2-216261913-G-A.
Other names: c.3551C>T, p.Ala1184Val (NM_001365522.2, NM_001365523.2, NM_001365524.2 and 13 more transcripts); c.3551C>T (NM_212482.1); short protein forms A1184V.
Identifiers: ClinVar variation 3607293 (VCV003607293.3).
Genomic context (GRCh38, chr2:215,397,190, plus strand): 5'-AACTTACCTGGGGTGGTGCTCCTCTCCCAGGAGACTGTGAGCACTCCAGTGTCAGGGTTT[G>A]CCTCCAGATGCAAGTTTGTTGGTGGAGACAATGCTATGCAGAAAGAACATTTTAAAAGTC-3'
Protein context (NP_997647.2, residues 1174-1194): LSPPTNLHLE[Ala1184Val]NPDTGVLTVS

ClinVar aggregate classification (germline): Uncertain significance. Review status: criteria provided, multiple submitters, no conflicts (2 of 4 stars). 2 submissions from 2 submitters: Uncertain significance (2). Last evaluated 2025-11-26.

Conditions:
Inborn genetic diseases. Identifiers: MedGen C0950123, MeSH D030342.

gnomAD v4.1: 2 of 1,613,802 alleles (0.00012%); highest among the groups gnomAD compares: Admixed American, 0.0033%; no homozygotes.

Submissions (2):

Ambry Genetics
Classification: Uncertain significance for Inborn genetic diseases. Last evaluated: 2025-11-26. Review status: criteria provided, single submitter. Criteria: Ambry Variant Classification Scheme 2023. Collection method: clinical testing. Allele origin: germline.

Labcorp Genetics (formerly Invitae), Labcorp
Classification: Uncertain significance. Last evaluated: 2024-05-29. Review status: criteria provided, single submitter. Criteria: Invitae Variant Classification Sherloc (09022015). Collection method: clinical testing. Allele origin: germline.
Comment: This sequence change replaces alanine, which is neutral and non-polar, with valine, which is neutral and non-polar, at codon 1184 of the FN1 protein (p.Ala1184Val). This variant is not present in population databases (gnomAD no frequency). This variant has not been reported in the literature in individuals affected with FN1-related conditions. Advanced modeling of protein sequence and biophysical properties (such as structural, functional, and spatial information, amino acid conservation, physicochemical variation, residue mobility, and thermodynamic stability) performed at Invitae indicates that this missense variant is not expected to disrupt FN1 protein function with a negative predictive value of 80%. In summary, the available evidence is currently insufficient to determine the role of this variant in disease. Therefore, it has been classified as a Variant of Uncertain Significance.